The following is an entry in ClinVar:

ClinVar aggregate classification (germline): Pathogenic. Review status: criteria provided, multiple submitters, no conflicts (2 of 4 stars). 3 submissions from 3 submitters: Pathogenic (3). Last evaluated 2025-03-07.

Conditions:
DMD-related disorder. Also called: DMD-related condition.
Duchenne muscular dystrophy (DMD). Also called: Duchenne Muscular Dystrophy (DMD); MUSCULAR DYSTROPHY, PSEUDOHYPERTROPHIC PROGRESSIVE, DUCHENNE TYPE. Identifiers: Orphanet 98896, MedGen C0013264, MONDO:0010679, OMIM 310200.

Submissions (3):

Labcorp Genetics (formerly Invitae), Labcorp
Classification: Pathogenic for Duchenne muscular dystrophy. Last evaluated: 2025-03-07. Review status: criteria provided, single submitter. Criteria: Invitae Variant Classification Sherloc (09022015). Collection method: clinical testing. Allele origin: germline.
Comment: This sequence change creates a premature translational stop signal (p.Gln920*) in the DMD gene. It is expected to result in an absent or disrupted protein product. Loss-of-function variants in DMD are known to be pathogenic (PMID: 16770791, 25007885). This variant is not present in population databases (gnomAD no frequency). This premature translational stop signal has been observed in individuals with Duchenne muscular dystrophy (PMID: 17952667, 19937601, 28859693). ClinVar contains an entry for this variant (Variation ID: 94532). Algorithms developed to predict the effect of sequence changes on RNA splicing suggest that this variant may disrupt the consensus splice site. For these reasons, this variant has been classified as Pathogenic.

Rady Children's Institute for Genomic Medicine, Rady Children's Hospital San Diego
Classification: Pathogenic for DMD-related disorders. Last evaluated: 2023-10-31. Review status: criteria provided, single submitter. Criteria: ACMG Guidelines, 2015. Collection method: clinical testing. Allele origin: germline. Affected: yes.
Comment: This nonsense variant found in exon 21 of 79 is predicted to result in loss of normal protein function through either protein truncation or nonsense-mediated mRNA decay. Loss-of-function variation in DMD is an established mechanism of disease (PMID: 20301298). This variant has been previously reported in patients with Duchenne muscular dystrophy (PMID: 17952667, 19937601, 28859693). The c.2758C>T (p.Gln920Ter) variant is absent from the gnomAD population database and thus is presumed to be rare. Based on the available evidence, c.2758C>T (p.Gln920Ter) is classified as Pathogenic.

Laboratory of Medical Genetics, National & Kapodistrian University of Athens
Classification: Pathogenic for Duchenne muscular dystrophy. Last evaluated: 2022-12-16. Review status: criteria provided, single submitter. Criteria: ACMG Guidelines, 2015. Collection method: clinical testing. Allele origin: germline. Affected: yes.
Comment: PVS1, PM2, PP5

Literature cited by the submitters: PubMed 16770791 (cited by Labcorp Genetics (formerly Invitae), Labcorp); PubMed 25007885 (cited by Labcorp Genetics (formerly Invitae), Labcorp); PubMed 17952667 (cited by Labcorp Genetics (formerly Invitae), Labcorp and Laboratory of Medical Genetics, National & Kapodistrian University of Athens); PubMed 19937601 (cited by Labcorp Genetics (formerly Invitae), Labcorp); PubMed 28859693 (cited by Labcorp Genetics (formerly Invitae), Labcorp and Laboratory of Medical Genetics, National & Kapodistrian University of Athens); PubMed 20301298 (cited by Rady Children's Institute for Genomic Medicine, Rady Children's Hospital San Diego); 17952667 (cited by Rady Children's Institute for Genomic Medicine, Rady Children's Hospital San Diego); 19937601 (cited by Rady Children's Institute for Genomic Medicine, Rady Children's Hospital San Diego); 28859693 (cited by Rady Children's Institute for Genomic Medicine, Rady Children's Hospital San Diego); PubMed 29973226 (cited by Laboratory of Medical Genetics, National & Kapodistrian University of Athens).

NM_004006.3(DMD):c.2758C>T (p.Gln920Ter)

Gene: DMD (dystrophin; minus strand). Cytogenetic location: Xp21.1.
Variant type: single nucleotide variant.
Coding change: c.2758C>T on transcript NM_004006.3 (MANE Select); coding-DNA position 2758, C replaced by T.
Protein change: p.Gln920Ter; replaces glutamine 920 with a stop codon.
Molecular consequence: nonsense.
Genome position (GRCh38, 1-based): chrX:32,484,964, G>A on the plus strand (C>T on the coding strand, the complement: DMD is on the minus strand). VCF-style: chrX-32484964-G-A. GRCh37 (hg19) VCF-style: chrX-32503081-G-A.
Other names: c.2734C>T, p.Gln912Ter (NM_000109.4); c.2746C>T, p.Gln916Ter (NM_004009.3); c.2389C>T, p.Gln797Ter (NM_004010.3); short protein forms Q920*, Q912*, Q916*, Q797*.
Identifiers: ClinVar variation 94532 (VCV000094532.13), dbSNP rs398123905, ClinGen allele CA266952.